The following is an entry in ClinVar:

ClinVar aggregate classification (germline): Conflicting classifications of pathogenicity. Review status: criteria provided, conflicting classifications (1 of 4 stars). 2 submissions from 2 submitters: Uncertain significance (1); Likely benign (1). Last evaluated 2025-12-10.

Conditions:
Hereditary cancer-predisposing syndrome. Also called: Neoplastic Syndromes, Hereditary; Hereditary Cancer Syndrome; Tumor predisposition; Hereditary neoplastic syndrome. Identifiers: Orphanet 140162, MedGen C0027672, MeSH D009386, MONDO:0015356.
Cardiovascular phenotype. Identifiers: MedGen CN230736.

gnomAD v4.1: 20 of 1,607,520 alleles (0.0012%); highest among the groups gnomAD compares: East Asian, 0.042%; no homozygotes.

Submissions (2):

Ambry Genetics
Classification: Uncertain significance for Cardiovascular phenotype; Hereditary cancer-predisposing syndrome. Last evaluated: 2025-12-10. Review status: criteria provided, single submitter. Criteria: Ambry Variant Classification Scheme 2023. Collection method: clinical testing. Allele origin: germline.
Comment: The c.1616-5C>A intronic variant results from a C to A substitution 5 nucleotides upstream from coding exon 15 in the LZTR1 gene. This nucleotide position is not well conserved in available vertebrate species. In silico splice site analysis predicts that this alteration will not have any significant effect on splicing. Based on the available evidence, the clinical significance of this variant remains unclear.

Labcorp Genetics (formerly Invitae), Labcorp
Classification: Likely benign. Last evaluated: 2024-11-11. Review status: criteria provided, single submitter. Criteria: Invitae Variant Classification Sherloc (09022015). Collection method: clinical testing. Allele origin: germline.

NM_006767.4(LZTR1):c.1616-5C>A

Gene: LZTR1 (leucine zipper like post translational regulator 1; plus strand). Cytogenetic location: 22q11.21.
Variant type: single nucleotide variant.
Coding change: c.1616-5C>A on transcript NM_006767.4 (MANE Select); 5 bases into the intron before coding-DNA position 1616, C replaced by A.
Molecular consequence: intron variant.
Genome position (GRCh38, 1-based): chr22:20,994,553, C>A. VCF-style: chr22-20994553-C-A. GRCh37 (hg19) VCF-style: chr22-21348842-C-A.
Other names: c.1616-5C>A (NM_006767.3).
Identifiers: ClinVar variation 2752982 (VCV002752982.5), dbSNP rs201238759, ClinGen allele CA322269641.